The following is an entry in ClinVar:

ClinVar aggregate classification (germline): Conflicting classifications of pathogenicity. Review status: criteria provided, conflicting classifications (1 of 4 stars). 7 submissions from 7 submitters: Uncertain significance (1); Benign (1); Likely benign (5). Last evaluated 2025-07-14.

Conditions:
Hereditary cancer-predisposing syndrome. Also called: Tumor predisposition; Hereditary Cancer Syndrome; Hereditary neoplastic syndrome; Neoplastic Syndromes, Hereditary. Identifiers: Orphanet 140162, MedGen C0027672, MeSH D009386, MONDO:0015356.
Peutz-Jeghers syndrome (PJS). Also called: POLYPOSIS, HAMARTOMATOUS INTESTINAL; POLYPS-AND-SPOTS SYNDROME; Peutz-Jeghers polyposis; Periorificial lentiginosis syndrome. Identifiers: Orphanet 2869, MedGen C0031269, MeSH D010580, MONDO:0008280, OMIM 175200.

Allele frequency attached by ClinVar (database versions not stated): gnomAD exomes below 0.00001; gnomAD 0.00001; TOPMed 0.00001.

Submissions (7):

Women's Health and Genetics/Laboratory Corporation of America, LabCorp
Classification: Likely benign. Last evaluated: 2025-07-14. Review status: criteria provided, single submitter. Criteria: LabCorp Variant Classification Summary - May 2015. Collection method: clinical testing. Allele origin: germline.

Labcorp Genetics (formerly Invitae), Labcorp
Classification: Likely benign for Peutz-Jeghers syndrome. Last evaluated: 2025-06-30. Review status: criteria provided, single submitter. Criteria: Invitae Variant Classification Sherloc (09022015). Collection method: clinical testing. Allele origin: germline.

Myriad Genetics, Inc.
Classification: Benign for Peutz-Jeghers syndrome. Last evaluated: 2025-03-31. Review status: criteria provided, single submitter. Criteria: Myriad Autosomal Dominant, Autosomal Recessive and X-Linked Classification Criteria (2023). Collection method: clinical testing. Allele origin: unknown.
Comment: This variant is considered benign. This variant is a silent/synonymous amino acid change and it is not expected to impact splicing.

All of Us Research Program, National Institutes of Health
Classification: Likely benign for Peutz-Jeghers syndrome. Last evaluated: 2024-07-20. Review status: criteria provided, single submitter. Criteria: ACMG Guidelines, 2015. Collection method: clinical testing. Allele origin: germline. Inheritance: Autosomal dominant inheritance. Observed: 1 variant allele, 1 heterozygote.
Comment: This study involves interpretation of variants in research participants for the purpose of population health screening. Participant phenotype was not available at the time of variant classification. Additional details can be found in publication PMID: 35346344, PMCID: PMC8962531

Color Diagnostics, LLC DBA Color Health
Classification: Likely benign for Hereditary cancer-predisposing syndrome. Last evaluated: 2023-12-05. Review status: criteria provided, single submitter. Criteria: ACMG Guidelines, 2015. Collection method: clinical testing. Allele origin: germline.

Genome-Nilou Lab
Classification: Uncertain significance for Peutz-Jeghers syndrome. Last evaluated: 2021-07-15. Review status: criteria provided, single submitter. Criteria: ACMG Guidelines, 2015. Collection method: clinical testing. Allele origin: germline. Affected: no.

Ambry Genetics
Classification: Likely benign for Hereditary cancer-predisposing syndrome. Last evaluated: 2016-03-11. Review status: criteria provided, single submitter. Criteria: Ambry Variant Classification Scheme 2023. Collection method: clinical testing. Allele origin: germline.

NM_000455.5(STK11):c.1245C>T (p.Arg415=)

Gene: STK11 (serine/threonine kinase 11; plus strand). Cytogenetic location: 19p13.3.
Variant type: single nucleotide variant.
Coding change: c.1245C>T on transcript NM_000455.5 (MANE Select); coding-DNA position 1245, C replaced by T.
Protein change: p.Arg415=; no amino-acid change (arginine 415 retained).
Molecular consequence: synonymous variant.
Genome position (GRCh38, 1-based): chr19:1,226,590, C>T. VCF-style: chr19-1226590-C-T. GRCh37 (hg19) VCF-style: chr19-1226589-C-T.
Identifiers: ClinVar variation 237792 (VCV000237792.23), dbSNP rs878853985, ClinGen allele CA10583793.